The following is an entry in ClinVar:

ClinVar aggregate classification (germline): Uncertain significance (1 of 4 stars; one submission).

Conditions:
Acute myeloid leukemia (AML). Also called: Acute myeloid leukemia, adult; AML adult; Acute non-lymphocytic leukemia; Acute granulocytic leukemia; Leukemia, acute myeloid, somatic; Leukemia, acute myelogenous, somatic. Identifiers: Orphanet 519, MedGen C0023467, MeSH D015470, MONDO:0018874, OMIM 601626, HP:0004808. Disease mechanism: Constitutively activated FLT3.

Submission:

Labcorp Genetics (formerly Invitae), Labcorp
Classification: Uncertain significance for Acute myeloid leukemia. Last evaluated: 2025-05-27. Review status: criteria provided, single submitter. Criteria: Invitae Variant Classification Sherloc (09022015). Collection method: clinical testing. Allele origin: germline.
Comment: This sequence change replaces glycine, which is neutral and non-polar, with aspartic acid, which is acidic and polar, at codon 100 of the CEBPA protein (p.Gly100Asp). This variant is not present in population databases (gnomAD no frequency). This variant has not been reported in the literature in individuals affected with CEBPA-related conditions. ClinVar contains an entry for this variant (Variation ID: 2831023). An algorithm developed to predict the effect of missense changes on protein structure and function (PolyPhen-2) suggests that this variant is likely to be disruptive. In summary, the available evidence is currently insufficient to determine the role of this variant in disease. Therefore, it has been classified as a Variant of Uncertain Significance.

NM_004364.5(CEBPA):c.299G>A (p.Gly100Asp)

Gene: CEBPA (CCAAT enhancer binding protein alpha; minus strand). Cytogenetic location: 19q13.11.
Variant type: single nucleotide variant.
Coding change: c.299G>A on transcript NM_004364.5 (MANE Select); coding-DNA position 299, G replaced by A.
Protein change: p.Gly100Asp; replaces glycine 100 with aspartic acid.
Molecular consequence: missense variant. On other transcripts: 5 prime UTR variant (1).
Genome position (GRCh38, 1-based): chr19:33,302,116, C>T on the plus strand (G>A on the coding strand, the complement: CEBPA is on the minus strand). VCF-style: chr19-33302116-C-T. GRCh37 (hg19) VCF-style: chr19-33793022-C-T.
Other names: c.-59G>A (NM_001285829.2); c.404G>A, p.Gly135Asp (NM_001287424.2); c.257G>A, p.Gly86Asp (NM_001287435.2); short protein forms G86D, G100D, G135D.
Identifiers: ClinVar variation 2831023 (VCV002831023.3), dbSNP rs2513332220, ClinGen allele CA405275242.